The following is an entry in ClinVar:

ClinVar aggregate classification (germline): Likely pathogenic (1 of 4 stars; one submission).

Submission:

Labcorp Genetics (formerly Invitae), Labcorp
Classification: Likely pathogenic. Last evaluated: 2020-03-27. Review status: criteria provided, single submitter. Criteria: Invitae Variant Classification Sherloc (09022015). Collection method: clinical testing. Allele origin: germline.
Comment: Glycine residues within the Gly-Xaa-Yaa repeats of the triple helix domain are required for the structure and stability of fibrillar collagens (PMID: 7695699, 8218237, 19344236). In COL4A5, missense variants at these glycine residues are significantly enriched in individuals with disease (PMID: 23720012, 27627812) compared to the general population (ExAC). This variant has been observed in individual(s) with Alport syndrome (PMID: 22921432). ClinVar contains an entry for this variant (Variation ID: 587107). This variant is not present in population databases (ExAC no frequency). This sequence change replaces glycine with arginine at codon 1342 of the COL4A5 protein (p.Gly1342Arg). The glycine residue is highly conserved and there is a moderate physicochemical difference between glycine and arginine. In summary, this variant is a novel missense change affecting a residue that is known to be critical for normal protein structure, stability and function. This type of missense change is also highly enriched in affected individuals and expected to be pathogenic. However, without additional functional and/or genetic data, this variant has been classified as Likely Pathogenic.

Literature cited by the submitters: PubMed 7695699; PubMed 8218237; PubMed 19344236; PubMed 23720012; PubMed 27627812; PubMed 22921432.

NM_033380.3(COL4A5):c.4042G>A (p.Gly1348Arg)

Gene: COL4A5 (collagen type IV alpha 5 chain; plus strand). Cytogenetic location: Xq22.3.
Variant type: single nucleotide variant.
Coding change: c.4042G>A on transcript NM_033380.3 (MANE Select); coding-DNA position 4042, G replaced by A.
Protein change: p.Gly1348Arg; replaces glycine 1348 with arginine.
Molecular consequence: missense variant.
Genome position (GRCh38, 1-based): chrX:108,680,911, G>A. VCF-style: chrX-108680911-G-A. GRCh37 (hg19) VCF-style: chrX-107924141-G-A.
Other names: c.4024G>A, p.Gly1342Arg (NM_000495.5); short protein forms G1342R, G1348R.
Identifiers: ClinVar variation 587107 (VCV000587107.11), dbSNP rs1569507398, ClinGen allele CA413851144.